The following is an entry in ClinVar:

ClinVar aggregate classification (germline): Uncertain significance (1 of 4 stars; one submission).

Conditions:
Familial adenomatous polyposis 1 (FAP1). Also called: POLYPOSIS, ADENOMATOUS INTESTINAL; FAMILIAL ADENOMATOUS POLYPOSIS 1, ATTENUATED. Identifiers: MedGen C2713442, MONDO:0021056, OMIM 175100. Disease mechanism: loss of function.

Submission:

Labcorp Genetics (formerly Invitae), Labcorp
Classification: Uncertain significance for Familial adenomatous polyposis 1. Last evaluated: 2021-07-09. Review status: criteria provided, single submitter. Criteria: Invitae Variant Classification Sherloc (09022015). Collection method: clinical testing. Allele origin: germline.
Comment: In summary, the available evidence is currently insufficient to determine the role of this variant in disease. Therefore, it has been classified as a Variant of Uncertain Significance. Experimental studies and prediction algorithms are not available or were not evaluated, and the functional significance of this variant is currently unknown. This variant has not been reported in the literature in individuals affected with APC-related conditions. This variant is not present in population databases (ExAC no frequency). This variant, c.7552_7554del, results in the deletion of 1 amino acid(s) of the APC protein (p.Asn2518del), but otherwise preserves the integrity of the reading frame.

NM_000038.6(APC):c.7552_7554del (p.Asn2518del)

Gene: APC (APC regulator of Wnt signaling pathway; plus strand). Cytogenetic location: 5q22.2.
Variant type: Deletion.
Coding change: c.7552_7554del on transcript NM_000038.6 (MANE Select); coding-DNA positions 7552 to 7554, 3 bases deleted (AAT; older notation c.7552_7554delAAT).
Protein change: p.Asn2518del; deletes asparagine 2518.
Molecular consequence: inframe deletion.
Genome position (GRCh38, 1-based): chr5:112,843,146-112,843,148, AAT deleted; deleting any 3 consecutive bases within chr5:112,843,144-112,843,148 gives the same sequence; the c. name uses the placement nearest the transcript's 3' end. VCF-style (leftmost placement, unchanged base first): chr5-112843143-TATA-T. GRCh37 (hg19) VCF-style: chr5-112178840-TATA-T.
Other names: c.7552_7554del, p.Asn2518del (NM_001127510.3, NM_001354895.2); c.7498_7500del, p.Asn2500del (NM_001127511.3); c.7606_7608del, p.Asn2536del (NM_001354896.2); c.7582_7584del, p.Asn2528del (NM_001354897.2); c.7477_7479del, p.Asn2493del (NM_001354898.2); c.7468_7470del, p.Asn2490del (NM_001354899.2); c.7429_7431del, p.Asn2477del (NM_001354900.2); c.7375_7377del, p.Asn2459del (NM_001354901.2); and 5 more; short protein forms N2427del, N2528del, N2235del, N2477del, N2490del, N2493del, N2518del, N2392del.
Identifiers: ClinVar variation 1403039 (VCV001403039.8), dbSNP rs2149989437, ClinGen allele CA2573138673.